The following is an entry in ClinVar:

NM_000108.5(DLD):c.939dup (p.Gly314fs)

Gene: DLD (dihydrolipoamide dehydrogenase; plus strand). Cytogenetic location: 7q31.1.
Variant type: Duplication.
Coding change: c.939dup on transcript NM_000108.5 (MANE Select); coding-DNA position 939, one base duplicated (T; older notation c.939dupT).
Protein change: p.Gly314fs; shifts the reading frame from glycine 314.
Molecular consequence: frameshift variant.
Genome position (GRCh38, 1-based): chr7:107,916,857, T duplicated; the last of 2 consecutive T bases (chr7:107,916,856-107,916,857); duplicating either gives the same sequence. VCF-style (leftmost placement, unchanged base first): chr7-107916855-A-AT. GRCh37 (hg19) VCF-style: chr7-107557300-A-AT.
Other names: c.642dup, p.Gly215fs (NM_001289750.1); c.870dup, p.Gly291fs (NM_001289751.1); c.795dup, p.Gly266fs (NM_001289752.1); short protein forms G215fs, G266fs, G291fs, G314fs.
Identifiers: ClinVar variation 5012496 (VCV005012496.1).
Genomic context (GRCh38, chr7:107,916,855, plus strand): 5'-ATTGAAGCTGCTTCTGGTGGTAAAGCTGAAGTTATCACTTGTGATGTACTCTTGGTTTGC[A>AT]TTGGCCGACGACCCTTTACTAAGAATTTGGGACTAGAAGAGCTGGGAATTGAACTAGATC-3'

ClinVar aggregate classification (germline): Pathogenic (1 of 4 stars; one submission).

Conditions:
Pyruvate dehydrogenase E3 deficiency (DLDD). Also called: Dihydrolipoamide Dehydrogenase (E3) Deficiency; DLD DEFICIENCY; E3 DEFICIENCY; Dihydrolipoamide Dehydrogenase E3 Deficiency; MAPLE SYRUP URINE DISEASE, TYPE III; Lipoamide dehydrogenase deficiency, lactic acidosis due to. Identifiers: Orphanet 2394, Orphanet 765, MedGen C5574660, MONDO:0009529, OMIM 246900.

Submission:

Myriad Genetics, Inc.
Classification: Pathogenic for Pyruvate dehydrogenase E3 deficiency. Last evaluated: 2023-11-19. Review status: criteria provided, single submitter. Criteria: Myriad Autosomal Dominant, Autosomal Recessive and X-Linked Classification Criteria (2023). Collection method: clinical testing. Allele origin: unknown.
Comment: NM_000108.3(DLD):c.939dupT(G314Wfs*7) is expected to be pathogenic in the context of dihydrolipoamide dehydrogenase deficiency. This variant is predicted to lead to an abnormal or absent protein product due to the creation of a premature termination codon in DLD, a gene where loss-of-function variants are known to be pathogenic. Please note: this variant was assessed in the context of healthy population screening.